The following is an entry in ClinVar:

ClinVar aggregate classification (germline): Likely benign (1 of 4 stars; one submission).

Conditions:
TRPC5-related disorder. Also called: TRPC5-related condition.

Submission:

PreventionGenetics, part of Exact Sciences
Classification: Likely benign for TRPC5-related condition. Last evaluated: 2026-02-16. Review status: criteria provided, single submitter. Criteria: ACMG Guidelines, 2015. Collection method: clinical testing. Allele origin: germline.
Comment: This variant is classified as likely benign based on ACMG/AMP sequence variant interpretation guidelines (Richards et al. 2015 PMID: 25741868, with internal and published modifications).

NM_012471.3(TRPC5):c.795G>A (p.Leu265=)

Gene: TRPC5 (transient receptor potential cation channel subfamily C member 5; minus strand). Cytogenetic location: Xq23.
Variant type: single nucleotide variant.
Coding change: c.795G>A on transcript NM_012471.3 (MANE Select); coding-DNA position 795, G replaced by A.
Protein change: p.Leu265=; no amino-acid change (leucine 265 retained).
Molecular consequence: synonymous variant.
Genome position (GRCh38, 1-based): chrX:111,912,396, C>T on the plus strand (G>A on the coding strand, the complement: TRPC5 is on the minus strand). VCF-style: chrX-111912396-C-T. GRCh37 (hg19) VCF-style: chrX-111155624-C-T.
Identifiers: ClinVar variation 4977120 (VCV004977120.1).
Genomic context (GRCh38, chrX:111,912,396, plus strand): 5'-ATGGTACTTCTGAGGGTCAAGCTCTTCACTGTGGTCATCTCGATGGTTGAGGATGATCTC[C>T]AGTTCCCTGGAGCTCCGAGCTTGGTCCAGCAGGTCTTTGGCAAAGAGCTTGCACTGCTGA-3'
Protein context (NP_036603.1, residues 255-275): LLDQARSSRE[Leu265=]EIILNHRDDH